The following is an entry in ClinVar:

ClinVar aggregate classification (germline): Benign/Likely benign. Review status: criteria provided, multiple submitters, no conflicts (2 of 4 stars). 6 submissions from 6 submitters: Benign (1); Likely benign (5). Last evaluated 2026-05-17.

Conditions:
DOCK7-related disorder. Also called: DOCK7-related condition.
Developmental and epileptic encephalopathy, 23 (DEE23). Also called: Epileptic encephalopathy, early infantile, 23. Identifiers: Orphanet 411986, MedGen C4014492, MONDO:0014371, OMIM 615859.

Allele frequency attached by ClinVar (database versions not stated): gnomAD exomes 0.00012 and 0.00033; ExAC 0.00037; ESP Exome Variant Server 0.00085; gnomAD 0.00154; 1000 Genomes Project 0.00160; TOPMed 0.00166; 1000 Genomes Project 30x 0.00187.
gnomAD v4.1: 413 of 1,613,954 alleles (0.026%); highest among the groups gnomAD compares: African/African-American, 0.48%; 4 homozygotes.

Submissions (6):

PreventionGenetics, part of Exact Sciences
Classification: Likely benign for DOCK7-related condition. Last evaluated: 2026-05-17. Review status: criteria provided, single submitter. Criteria: ACMG Guidelines, 2015. Collection method: clinical testing. Allele origin: germline.
Comment: This variant is classified as likely benign based on ACMG/AMP sequence variant interpretation guidelines (Richards et al. 2015 PMID: 25741868, with internal and published modifications).

Labcorp Genetics (formerly Invitae), Labcorp
Classification: Benign for Developmental and epileptic encephalopathy, 23. Last evaluated: 2025-12-22. Review status: criteria provided, single submitter. Criteria: Invitae Variant Classification Sherloc (09022015). Collection method: clinical testing. Allele origin: germline.

Blueprint Genetics
Classification: Likely benign. Last evaluated: 2024-07-06. Review status: criteria provided, single submitter. Criteria: ACMG Guidelines, 2015. Collection method: clinical testing. Allele origin: germline.

Genome-Nilou Lab
Classification: Likely benign for Developmental and epileptic encephalopathy, 23. Last evaluated: 2023-04-11. Review status: criteria provided, single submitter. Criteria: ACMG Guidelines, 2015. Collection method: clinical testing. Allele origin: germline. Affected: no.

GeneDx
Classification: Likely benign. Last evaluated: 2021-04-27. Review status: criteria provided, single submitter. Criteria: GeneDx Variant Classification Process June 2021. Collection method: clinical testing. Allele origin: germline. Affected: yes.

Breakthrough Genomics
Classification: Likely benign. Review status: criteria provided, single submitter. Criteria: ACMG Guidelines, 2015. Collection method: not provided. Allele origin: germline. Inheritance: Autosomal recessive inheritance. Affected: yes.

NM_001367561.1(DOCK7):c.2700C>T (p.Ser900=)

Gene: DOCK7 (dedicator of cytokinesis 7; minus strand). Cytogenetic location: 1p31.3.
Variant type: single nucleotide variant.
Coding change: c.2700C>T on transcript NM_001367561.1 (MANE Select); coding-DNA position 2700, C replaced by T.
Protein change: p.Ser900=; no amino-acid change (serine 900 retained).
Molecular consequence: synonymous variant.
Genome position (GRCh38, 1-based): chr1:62,552,798, G>A on the plus strand (C>T on the coding strand, the complement: DOCK7 is on the minus strand). VCF-style: chr1-62552798-G-A. GRCh37 (hg19) VCF-style: chr1-63018469-G-A.
Other names: c.2700C>T, p.Ser900= (NM_001271999.2, NM_001272000.2, NM_001272001.2 and 2 more transcripts).
Identifiers: ClinVar variation 475134 (VCV000475134.17), dbSNP rs35648144, ClinGen allele CA886197.